The following is an entry in ClinVar:

ClinVar aggregate classification (germline): Likely pathogenic (1 of 4 stars; one submission).

Conditions:
SIN3A-related intellectual disability syndrome due to a point mutation. Also called: WITTEVEEN-KOLK SYNDROME; 15q24 Microdeletion Syndrome. Identifiers: Orphanet 500166, Orphanet 94065, MedGen C4310804, MONDO:0044700, OMIM 613406.

Submission:

3billion
Classification: Likely pathogenic for SIN3A-related intellectual disability syndrome due to a point mutation. Last evaluated: 2025-07-16. Review status: criteria provided, single submitter. Criteria: ACMG Guidelines, 2015. Collection method: clinical testing. Allele origin: germline. Affected: yes.
Comment: The variant is not observed in the gnomAD v4.1.0 dataset. Predicted Consequence/Location: Stop-gained (nonsense): predicted to result in a loss or disruption of normal protein function through nonsense-mediated decay (NMD) or protein truncation. Multiple pathogenic variants are reported downstream of the variant. Therefore, this variant is classified as Likely pathogenic according to the recommendation of ACMG/AMP guideline.

NM_001145358.2(SIN3A):c.763C>T (p.Gln255Ter)

Gene: SIN3A (SIN3 transcription regulator family member A; minus strand). Cytogenetic location: 15q24.2.
Variant type: single nucleotide variant.
Coding change: c.763C>T on transcript NM_001145358.2 (MANE Select); coding-DNA position 763, C replaced by T.
Protein change: p.Gln255Ter; replaces glutamine 255 with a stop codon.
Molecular consequence: nonsense.
Genome position (GRCh38, 1-based): chr15:75,411,737, G>A on the plus strand (C>T on the coding strand, the complement: SIN3A is on the minus strand). VCF-style: chr15-75411737-G-A. GRCh37 (hg19) VCF-style: chr15-75704078-G-A.
Other names: c.763C>T, p.Gln255Ter (NM_001145357.2, NM_001437462.1, NM_001437463.1 and 1 more transcripts); short protein forms Q255*.
Identifiers: ClinVar variation 4854470 (VCV004854470.1).
Genomic context (GRCh38, chr15:75,411,737, plus strand): 5'-GGGATGCATACGGTGGAAGTGGGGGAGTCTGCTGACTGGCCGGAGTATGTGCTTGCAGTT[G>A]GGAGGGCTAGAAAGAAAAGAAATCTTTATTCTCTTCAGATGCATAGATGAGTTGATACAA-3'